The following is an entry in ClinVar:

ClinVar aggregate classification (germline): Uncertain significance. Review status: criteria provided, multiple submitters, no conflicts (2 of 4 stars). 4 submissions from 4 submitters: Uncertain significance (4). Last evaluated 2025-04-02.

Allele frequency attached by ClinVar (database versions not stated): gnomAD exomes 0.00002 and 0.00003; ExAC 0.00002; TOPMed 0.00004; gnomAD 0.00007.

Submissions (4):

Ambry Genetics
Classification: Uncertain significance. Last evaluated: 2025-04-02. Review status: criteria provided, single submitter. Criteria: Ambry Variant Classification Scheme 2023. Collection method: clinical testing. Allele origin: germline.

Women's Health and Genetics/Laboratory Corporation of America, LabCorp
Classification: Uncertain significance. Last evaluated: 2022-05-20. Review status: criteria provided, single submitter. Criteria: LabCorp Variant Classification Summary - May 2015. Collection method: clinical testing. Allele origin: germline.
Comment: Variant summary: CLCF1 c.89G>A (p.Arg30His) results in a non-conservative amino acid change in the encoded protein sequence. Three of five in-silico tools predict a benign effect of the variant on protein function. The variant allele was found at a frequency of 2.4e-05 in 251192 control chromosomes (gnomAD). The available data on variant occurrences in the general population are insufficient to allow any conclusion about variant significance. To our knowledge, no occurrence of c.89G>A in individuals affected with Cold-Induced Sweating Syndrome and no experimental evidence demonstrating its impact on protein function have been reported. One clinical diagnostic laboratory has submitted clinical-significance assessments for this variant to ClinVar after 2014 without evidence for independent evaluation and classified the variant as uncertain significance. Based on the evidence outlined above, the variant was classified as uncertain significance.

Mayo Clinic Laboratories, Mayo Clinic
Classification: Uncertain significance. Last evaluated: 2020-11-19. Review status: criteria provided, single submitter. Criteria: ACMG Guidelines, 2015. Collection method: clinical testing. Allele origin: germline. Observed: 1 variant allele.

Breakthrough Genomics
Classification: Uncertain significance. Review status: criteria provided, single submitter. Criteria: ACMG Guidelines, 2015. Collection method: not provided. Allele origin: germline. Inheritance: Autosomal recessive inheritance. Affected: yes.

NM_013246.3(CLCF1):c.89G>A (p.Arg30His)

Genes: CLCF1 (cardiotrophin like cytokine factor 1; minus strand), LOC100130987 (uncharacterized LOC100130987; plus strand). Cytogenetic location: 11q13.2.
Variant type: single nucleotide variant.
Coding change: c.89G>A on transcript NM_013246.3 (MANE Select); coding-DNA position 89, G replaced by A.
Protein change: p.Arg30His; replaces arginine 30 with histidine.
Molecular consequence: missense variant.
Genome position (GRCh38, 1-based): chr11:67,367,554, C>T on the plus strand (G>A on the coding strand, the complement: CLCF1 is on the minus strand). VCF-style: chr11-67367554-C-T. GRCh37 (hg19) VCF-style: chr11-67135025-C-T.
Other names: c.59G>A, p.Arg20His (NM_001166212.2); short protein forms R20H, R30H.
Identifiers: ClinVar variation 1163928 (VCV001163928.8), dbSNP rs772890565, ClinGen allele CA6136190.